The following is an entry in ClinVar:

ClinVar aggregate classification (germline): Conflicting classifications of pathogenicity. Review status: criteria provided, conflicting classifications (1 of 4 stars). 2 submissions from 2 submitters: Uncertain significance (1); Likely benign (1). Last evaluated 2025-05-16.

Conditions:
Hereditary breast ovarian cancer syndrome. Also called: BRCA1- and BRCA2-Associated Hereditary Breast and Ovarian Cancer; Hereditary breast and ovarian cancer syndrome (HBOC); Hereditary breast and/or ovarian cancer syndrome; Hereditary breast and ovarian cancer; Breast and ovarian cancer; Hereditary breast and ovarian cancer syndrome. Identifiers: Orphanet 145, MedGen C0677776, MeSH D061325, MONDO:0003582. Disease mechanism: loss of function.
Hereditary cancer-predisposing syndrome. Also called: Hereditary neoplastic syndrome; Hereditary Cancer Syndrome; Tumor predisposition; Neoplastic Syndromes, Hereditary. Identifiers: Orphanet 140162, MedGen C0027672, MeSH D009386, MONDO:0015356.

Allele frequency attached by ClinVar (database versions not stated): gnomAD exomes below 0.00001.
gnomAD v4.1: 3 of 1,613,938 alleles (0.00019%); highest among the groups gnomAD compares: Middle Eastern, 0.016%; no homozygotes.

Submissions (2):

Ambry Genetics
Classification: Likely benign for Hereditary cancer-predisposing syndrome. Last evaluated: 2025-05-16. Review status: criteria provided, single submitter. Criteria: Ambry Variant Classification Scheme 2023. Collection method: clinical testing. Allele origin: germline.

Labcorp Genetics (formerly Invitae), Labcorp
Classification: Uncertain significance for Hereditary breast ovarian cancer syndrome. Last evaluated: 2025-02-27. Review status: criteria provided, single submitter. Criteria: Invitae Variant Classification Sherloc (09022015). Collection method: clinical testing. Allele origin: germline.
Comment: This sequence change replaces glutamic acid, which is acidic and polar, with lysine, which is basic and polar, at codon 3167 of the BRCA2 protein (p.Glu3167Lys). This variant is not present in population databases (gnomAD no frequency). This variant has not been reported in the literature in individuals affected with BRCA2-related conditions. ClinVar contains an entry for this variant (Variation ID: 2002624). An algorithm developed to predict the effect of missense changes on protein structure and function (PolyPhen-2) suggests that this variant is likely to be tolerated. In summary, the available evidence is currently insufficient to determine the role of this variant in disease. Therefore, it has been classified as a Variant of Uncertain Significance.

NM_000059.4(BRCA2):c.9499G>A (p.Glu3167Lys)

Gene: BRCA2 (BRCA2 DNA repair associated; plus strand). Cytogenetic location: 13q13.1.
Variant type: single nucleotide variant.
Coding change: c.9499G>A on transcript NM_000059.4 (MANE Select); coding-DNA position 9499, G replaced by A.
Protein change: p.Glu3167Lys; replaces glutamic acid 3167 with lysine.
Molecular consequence: missense variant.
Genome position (GRCh38, 1-based): chr13:32,394,931, G>A. VCF-style: chr13-32394931-G-A. GRCh37 (hg19) VCF-style: chr13-32969068-G-A.
Other names: c.9403G>A, p.Glu3135Lys (NM_001406719.1); c.9448G>A, p.Glu3150Lys (NM_001406720.1); c.4567G>A, p.Glu1523Lys (NM_001406721.1); c.3082G>A, p.Glu1028Lys (NM_001406722.1); short protein forms E3150K, E1523K, E3135K, E1028K, E3167K.
Identifiers: ClinVar variation 2002624 (VCV002002624.7), dbSNP rs2137654624, ClinGen allele CA387761899.